The following is an entry in ClinVar:

NM_000435.3(NOTCH3):c.6766G>T (p.Ala2256Ser)

Gene: NOTCH3 (notch receptor 3; minus strand). Cytogenetic location: 19p13.12.
Variant type: single nucleotide variant.
Coding change: c.6766G>T on transcript NM_000435.3 (MANE Select); coding-DNA position 6766, G replaced by T.
Protein change: p.Ala2256Ser; replaces alanine 2256 with serine.
Molecular consequence: missense variant.
Genome position (GRCh38, 1-based): chr19:15,160,862, C>A on the plus strand (G>T on the coding strand, the complement: NOTCH3 is on the minus strand). VCF-style: chr19-15160862-C-A. GRCh37 (hg19) VCF-style: chr19-15271673-C-A.
Other names: short protein forms A2256S.
Identifiers: ClinVar variation 3201385 (VCV003201385.3), dbSNP rs748516303, ClinGen allele CA9262306.

ClinVar aggregate classification (germline): Uncertain significance. Review status: criteria provided, multiple submitters, no conflicts (2 of 4 stars). 3 submissions from 3 submitters: Uncertain significance (3). Last evaluated 2025-08-15.

Conditions:
Inborn genetic diseases. Identifiers: MedGen C0950123, MeSH D030342.

Allele frequency attached by ClinVar (database versions not stated): gnomAD exomes below 0.00001; ExAC 0.00003; gnomAD 0.00003; TOPMed 0.00003.
gnomAD v4.1: 6 of 1,613,792 alleles (0.00037%); highest among the groups gnomAD compares: African/African-American, 0.008%; no homozygotes.

Submissions (3):

Athena Diagnostics
Classification: Uncertain significance. Last evaluated: 2025-08-15. Review status: criteria provided, single submitter. Criteria: Athena Diagnostics Criteria. Collection method: clinical testing. Allele origin: unknown.
Comment: Available data are insufficient to determine the clinical significance of the variant at this time. The frequency of this variant in the general population is higher than would generally be expected for pathogenic variants in this gene. Polyphen and MutationTaster predict this amino acid change may be benign.

Ambry Genetics
Classification: Uncertain significance for Inborn genetic diseases. Last evaluated: 2023-12-18. Review status: criteria provided, single submitter. Criteria: Ambry Variant Classification Scheme 2023. Collection method: clinical testing. Allele origin: germline.

GeneDx
Classification: Uncertain significance. Last evaluated: 2023-05-26. Review status: criteria provided, single submitter. Criteria: GeneDx Variant Classification Process June 2021. Collection method: clinical testing. Allele origin: germline. Affected: yes.
Comment: In silico analysis supports that this missense variant does not alter protein structure/function; Has not been previously published as pathogenic or benign to our knowledge